The following is an entry in ClinVar:

ClinVar aggregate classification (germline): Likely pathogenic. Review status: reviewed by expert panel (3 of 4 stars). 8 submissions from 8 submitters: Likely pathogenic (1). 7 of the submissions do not count toward it. Last evaluated 2026-01-04.

Conditions:
BRCA2-related cancer predisposition. Identifiers: MedGen CN377758, MONDO:0700269.
Hereditary cancer-predisposing syndrome. Also called: Tumor predisposition; Neoplastic Syndromes, Hereditary; Hereditary neoplastic syndrome; Hereditary Cancer Syndrome. Identifiers: Orphanet 140162, MedGen C0027672, MeSH D009386, MONDO:0015356.
Hereditary breast ovarian cancer syndrome. Also called: Hereditary breast and ovarian cancer; BRCA1- and BRCA2-Associated Hereditary Breast and Ovarian Cancer; Hereditary breast and/or ovarian cancer syndrome; Hereditary breast and ovarian cancer syndrome; Breast and ovarian cancer; Hereditary breast and ovarian cancer syndrome (HBOC). Identifiers: Orphanet 145, MedGen C0677776, MeSH D061325, MONDO:0003582. Disease mechanism: loss of function.
Breast-ovarian cancer, familial, susceptibility to, 2 (BROVCA2). Also called: BRCA2 Hereditary Breast and Ovarian Cancer. Identifiers: Orphanet 145, MedGen C2675520, MONDO:0012933, OMIM 612555. Disease mechanism: loss of function.

Submissions (8):

ClinGen ENIGMA BRCA1 and BRCA2 Variant Curation Expert Panel, ClinGen
Classification: Likely pathogenic for BRCA2-related cancer predisposition. Last evaluated: 2026-01-04. Review status: reviewed by expert panel. Criteria: CSpec BRCA12ACMG Rules Specifications V1.1. Collection method: curation. Allele origin: germline. Inheritance: Autosomal dominant inheritance.
Comment: The c.9374T>A variant in BRCA2 is a missense variant predicted to cause substitution of Leucine by Histidine at amino acid 3125 (p.(Leu3125His)). This variant is absent from gnomAD v2.1 (exomes only, non-cancer subset, read depth ≥25) and gnomAD v3.1 (non-cancer subset, read depth ≥25) (PM2_Supporting met). Reported by three calibrated studies to exhibit protein function similar to pathogenic control variants (PMIDs:38417439, 39779857, 39779848) (PS3 met). This BRCA2 missense variant is within a key functional domain and the computational predictor BayesDel (noAF) gives a score of 0.21, indicating impact on BRCA2 function via protein change is unclear (score range 0.18-0.30). A SpliceAI score of 0 predicts no impact on splicing (score threshold <0.10) (no bioinformatic code is applied). Multifactorial likelihood ratio analysis using clinically calibrated data produced a combined LR for this variant of 3.6 (based on Cosegregation LR=0.89; Pathology LR=4.04), within the thresholds for supporting evidence towards pathogenicity (LR >2.08 & ≤4.3) (PP4 met; Internal lab contributor). In summary, this variant meets the criteria to be classified as a Likely pathogenic variant for BRCA2-related cancer predisposition based on the ACMG/AMP criteria applied as specified by the ENIGMA BRCA1/2 VCEP (PM2_Supporting, PS3, PP4).

Color Diagnostics, LLC DBA Color Health
Classification: Uncertain significance for Hereditary cancer-predisposing syndrome. Last evaluated: 2025-09-23. Review status: criteria provided, single submitter. Criteria: ACMG Guidelines, 2015. Collection method: clinical testing. Allele origin: germline. Not counted in ClinVar's aggregate classification.
Comment: This missense variant replaces leucine with histidine at codon 3125 of the BRCA2 protein. Computational prediction suggests that this variant may have deleterious impact on protein structure and function. Functional studies have reported the variant protein to exhibit decreased homology-directed recombination activity (PMID: 29394989, 29884841, 33609447) and impacted function in a haploid cell proliferation assay (PMID: 39779857), and a study in mouse embryonic stem cells reported this variant decreases cell viability and increases sensitivity to olaparib and cisplatin (PMID: 37922907, 39779848). This variant has been reported in individuals with a personal or family history of breast and/or ovarian cancer (PMID: 27062684, 33710808). This variant has not been identified in the general population by the Genome Aggregation Database (gnomAD). The available evidence is insufficient to determine the role of this variant in disease conclusively. Therefore, this variant is classified as a Variant of Uncertain Significance.

Department of Genomics, ADN Uruguay
Classification: Likely pathogenic for Hereditary breast ovarian cancer syndrome. Last evaluated: 2024-06-27. Review status: criteria provided, single submitter. Criteria: Assertion Criteria Germline. Collection method: clinical testing. Allele origin: germline. Inheritance: Autosomal dominant inheritance. Affected: yes. Observed: 1 variant allele. Not counted in ClinVar's aggregate classification.
Comment: The BRCA2 c.9374T>A (p.Leu3125His) variant is a missense change located in a functionally important domain. It is absent from population databases (gnomAD, 1000G) (PM2) and reported in multiple affected individuals and functional studies showing impaired BRCA2 activity (PS3, PS4). Computational predictions support a damaging effect (PP3). Classified as Likely Pathogenic per ACMG/AMP 2015 criteria (PVS1 not applicable).

Blueprint Genetics
Classification: Uncertain significance. Last evaluated: 2023-10-05. Review status: criteria provided, single submitter. Criteria: ACMG Guidelines, 2015. Collection method: clinical testing. Allele origin: germline. Not counted in ClinVar's aggregate classification.

Labcorp Genetics (formerly Invitae), Labcorp
Classification: Uncertain significance for Hereditary breast ovarian cancer syndrome. Last evaluated: 2022-11-29. Review status: criteria provided, single submitter. Criteria: Invitae Variant Classification Sherloc (09022015). Collection method: clinical testing. Allele origin: germline. Not counted in ClinVar's aggregate classification.
Comment: This variant is not present in population databases (gnomAD no frequency). In summary, the available evidence is currently insufficient to determine the role of this variant in disease. Therefore, it has been classified as a Variant of Uncertain Significance. Experimental studies have shown that this missense change affects BRCA2 function (PMID: 29394989). Advanced modeling performed at Invitae incorporating data from internal and/or published experimental studies (PMID: 33609447) indicates that this missense variant is expected to disrupt BRCA2 function. ClinVar contains an entry for this variant (Variation ID: 52823). This missense change has been observed in individual(s) with breast and/or ovarian cancer (PMID: 27062684). This sequence change replaces leucine, which is neutral and non-polar, with histidine, which is basic and polar, at codon 3125 of the BRCA2 protein (p.Leu3125His).

Mendelics
Classification: Likely pathogenic for Breast-ovarian cancer, familial, susceptibility to, 2. Last evaluated: 2019-05-28. Review status: criteria provided, single submitter. Criteria: Mendelics Assertion Criteria 2017. Collection method: clinical testing. Allele origin: unknown. Not counted in ClinVar's aggregate classification.

Cancer Variant Interpretation Group UK, Institute of Cancer Research, London
Classification: Likely pathogenic for Hereditary Breast and Ovarian Cancer. Last evaluated: 2018-11-23. Review status: criteria provided, single submitter. Criteria: ACMG Guidelines, 2015. Collection method: curation. Allele origin: germline. Not counted in ClinVar's aggregate classification.
Comment: Data used in classification: The frequency of this variant is 0/138,632 individuals (tgnomAD) (PM2_mod). This variant is predicted deleterious on AlignGVGD (class: C65), SIFT (Deleterious), Polyphen2 HumVar (probably damaging) and CADD (21.9) (PP3_sup). The variant is in the DNA-binding domain of BRCA2 (PM1_sup). In the VarCall Bayesian statistical model for VUS classification using functional assay data (Guidugli et al Am J Hum Genet 2018; 102:233-248, Couch Lab), the variant has a probability of being deleterious of 0.998 and an overall classification of pathogenic (PS3_strong). Data not used in classification: There are additional reports of this variant in ClinVar (1).

Breast Cancer Information Core (BIC) (BRCA2)
Classification: Uncertain significance for Breast-ovarian cancer, familial 2. Last evaluated: 2004-03-30. Review status: no assertion criteria provided. Collection method: clinical testing. Allele origin: germline. Affected: yes. Observed: 2 variant alleles. Not counted in ClinVar's aggregate classification.

Literature cited by the submitters: PubMed 27062684 (cited by Color Diagnostics, LLC DBA Color Health and Labcorp Genetics (formerly Invitae), Labcorp); PubMed 29394989 (cited by 4 submitters); PubMed 29884841 (cited by Color Diagnostics, LLC DBA Color Health); PubMed 33609447 (cited by Color Diagnostics, LLC DBA Color Health and Labcorp Genetics (formerly Invitae), Labcorp); PubMed 33710808 (cited by Color Diagnostics, LLC DBA Color Health and Department of Genomics, ADN Uruguay); PubMed 37922907 (cited by Color Diagnostics, LLC DBA Color Health and Department of Genomics, ADN Uruguay); PubMed 39779848 (cited by Color Diagnostics, LLC DBA Color Health); PubMed 39779857 (cited by Color Diagnostics, LLC DBA Color Health).

NM_000059.4(BRCA2):c.9374T>A (p.Leu3125His)

Gene: BRCA2 (BRCA2 DNA repair associated; plus strand). Cytogenetic location: 13q13.1.
Variant type: single nucleotide variant.
Coding change: c.9374T>A on transcript NM_000059.4 (MANE Select); coding-DNA position 9374, T replaced by A.
Protein change: p.Leu3125His; replaces leucine 3125 with histidine.
Molecular consequence: missense variant.
Genome position (GRCh38, 1-based): chr13:32,394,806, T>A. VCF-style: chr13-32394806-T-A. GRCh37 (hg19) VCF-style: chr13-32968943-T-A.
Other names: NM_000059.4(BRCA2):c.9374T>A; p.Leu3125His; short protein forms L3125H.
Identifiers: ClinVar variation 52823 (VCV000052823.17), dbSNP rs80359209, ClinGen allele CA026120.